The following is an entry in ClinVar:

NM_001034853.2(RPGR):c.2685A>G (p.Gly895=)

Gene: RPGR (retinitis pigmentosa GTPase regulator; minus strand). Cytogenetic location: Xp11.4.
Variant type: single nucleotide variant.
Coding change: c.2685A>G on transcript NM_001034853.2 (MANE Select); coding-DNA position 2685, A replaced by G.
Protein change: p.Gly895=; no amino-acid change (glycine 895 retained).
Molecular consequence: synonymous variant. On other transcripts: intron variant (8).
Genome position (GRCh38, 1-based): chrX:38,286,314, T>C on the plus strand (A>G on the coding strand, the complement: RPGR is on the minus strand). VCF-style: chrX-38286314-T-C. GRCh37 (hg19) VCF-style: chrX-38145567-T-C.
Other names: NM_001034853.2(RPGR):c.2685A>G; p.Gly895=; c.1569+4645A>G (NM_001367249.1, NM_001367250.1); c.1902+780A>G (NM_001367245.1); c.1386+4645A>G (NM_001367251.1); c.1719+780A>G (NM_001367246.1); c.1572+4645A>G (NM_001367247.1); c.1905+780A>G (NM_000328.3); and 1 more.
Identifiers: ClinVar variation 2660294 (VCV002660294.25), dbSNP rs1476469122, ClinGen allele CA515708824.
Genomic context (GRCh38, chrX:38,286,314, plus strand): 5'-CTCCTCTTCTCCCTCCCCTTCTCCTTCCTCTTCTCCCTCCCCTTCTCCTTCCTCCTCTTC[T>C]CCCTCCCCTTCTCCTTCCTCTTCTCCCTCCCCTTCTCCTTCCTCCTCTTCCCCCTCCCCT-3'
Protein context (NP_001030025.1, residues 885-905): GEGEEEGEGE[Gly895=]EEEEGEGEGE

ClinVar aggregate classification (germline): Likely benign. Review status: reviewed by expert panel (3 of 4 stars). 2 submissions from 2 submitters: Likely benign (1). 1 of the submissions does not count toward it. Last evaluated 2025-09-05.

Conditions:
RPGR-related retinopathy. Also called: RPGR retinopathy. Identifiers: MedGen CN305589, MONDO:0100437.

Submissions (2):

ClinGen X-linked Inherited Retinal Disease Variant Curation Expert Panel, ClinGen
Classification: Likely benign for RPGR-related retinopathy. Last evaluated: 2025-09-05. Review status: reviewed by expert panel. Criteria: ClinGen X LinkedIRD ACMG Specifications RPGR V1.0.0. Collection method: curation. Allele origin: germline. Inheritance: X-linked inheritance.
Comment: NM_001034853.2(RPGR):c.2685A>G (p.Gly895=) is a synonymous variant in exon 15 of 15 at codon 895 with no predicted impact on splicing (BP7). The splicing impact predictor SpliceAI gives a delta score of 0.00 for all splicing types, which is below the ClinGen X-linked IRD VCEP recommended threshold of <0.1 and does not strongly predict an impact on splicing (BP4). This variant is absent from gnomAD v4.1.0 (PM2_Supporting). In summary, this variant is classified as likely benign for RPGR-related retinopathy based on the ClinGen X-linked Inherited Retinal Disease Expert Panel Specifications to the ACMG/AMP Variant Interpretation Guidelines for RPGR Version 1.0.0; BP4, BP7, and PM2_Supporting.

CeGaT Center for Human Genetics Tuebingen
Classification: Likely benign. Last evaluated: 2025-03-01. Review status: criteria provided, single submitter. Criteria: CeGaT Center For Human Genetics Tuebingen Variant Classification Criteria Version 2. Collection method: clinical testing. Allele origin: germline. Affected: yes. Observed: 5 variant alleles. Not counted in ClinVar's aggregate classification.
Comment: RPGR: PM2:Supporting, BP4, BP7